The following is an entry in ClinVar:

NM_001029883.3(PCARE):c.1065C>G (p.Asp355Glu)

Gene: PCARE (photoreceptor cilium actin regulator; minus strand). Cytogenetic location: 2p23.2.
Variant type: single nucleotide variant.
Coding change: c.1065C>G on transcript NM_001029883.3 (MANE Select); coding-DNA position 1065, C replaced by G.
Protein change: p.Asp355Glu; replaces aspartic acid 355 with glutamic acid.
Molecular consequence: missense variant.
Genome position (GRCh38, 1-based): chr2:29,073,197, G>C on the plus strand (C>G on the coding strand, the complement: PCARE is on the minus strand). VCF-style: chr2-29073197-G-C. GRCh37 (hg19) VCF-style: chr2-29296063-G-C.
Other names: short protein forms D355E.
Identifiers: ClinVar variation 938909 (VCV000938909.8), dbSNP rs372228597, ClinGen allele CA1592509.

ClinVar aggregate classification (germline): Uncertain significance. Review status: criteria provided, multiple submitters, no conflicts (2 of 4 stars). 2 submissions from 2 submitters: Uncertain significance (2). Last evaluated 2022-06-13.

Allele frequency attached by ClinVar (database versions not stated): gnomAD exomes 0.00001; TOPMed 0.00006; ESP Exome Variant Server 0.00023.

Submissions (2):

Labcorp Genetics (formerly Invitae), Labcorp
Classification: Uncertain significance. Last evaluated: 2022-06-13. Review status: criteria provided, single submitter. Criteria: Invitae Variant Classification Sherloc (09022015). Collection method: clinical testing. Allele origin: germline.
Comment: This sequence change replaces aspartic acid, which is acidic and polar, with glutamic acid, which is acidic and polar, at codon 355 of the PCARE protein (p.Asp355Glu). This variant is present in population databases (rs372228597, gnomAD 0.03%). This variant has not been reported in the literature in individuals affected with PCARE-related conditions. ClinVar contains an entry for this variant (Variation ID: 938909). Algorithms developed to predict the effect of missense changes on protein structure and function (SIFT, PolyPhen-2, Align-GVGD) all suggest that this variant is likely to be disruptive. In summary, the available evidence is currently insufficient to determine the role of this variant in disease. Therefore, it has been classified as a Variant of Uncertain Significance.

Blueprint Genetics
Classification: Uncertain significance. Last evaluated: 2021-11-17. Review status: criteria provided, single submitter. Criteria: ACMG Guidelines, 2015. Collection method: clinical testing. Allele origin: germline.